The following is an entry in ClinVar:

ClinVar aggregate classification (germline): Uncertain significance. Review status: criteria provided, multiple submitters, no conflicts (2 of 4 stars). 2 submissions from 2 submitters: Uncertain significance (2). Last evaluated 2025-01-05.

Conditions:
Inborn genetic diseases. Identifiers: MedGen C0950123, MeSH D030342.

Submissions (2):

Ambry Genetics
Classification: Uncertain significance for Inborn genetic diseases. Last evaluated: 2025-01-05. Review status: criteria provided, single submitter. Criteria: Ambry Variant Classification Scheme 2023. Collection method: clinical testing. Allele origin: germline.
Comment: The p.L556V variant (also known as c.1666C>G), located in coding exon 1 of the SAMD9 gene, results from a C to G substitution at nucleotide position 1666. The leucine at codon 556 is replaced by valine, an amino acid with highly similar properties. This amino acid position is conserved. In addition, this alteration is predicted to be tolerated by in silico analysis. Based on the available evidence, the clinical significance of this variant remains unclear.

Labcorp Genetics (formerly Invitae), Labcorp
Classification: Uncertain significance. Last evaluated: 2024-12-15. Review status: criteria provided, single submitter. Criteria: Invitae Variant Classification Sherloc (09022015). Collection method: clinical testing. Allele origin: germline.
Comment: This sequence change replaces leucine, which is neutral and non-polar, with valine, which is neutral and non-polar, at codon 556 of the SAMD9 protein (p.Leu556Val). This variant is present in population databases (rs772420717, gnomAD 0.0009%). This variant has not been reported in the literature in individuals affected with SAMD9-related conditions. Invitae Evidence Modeling of protein sequence and biophysical properties (such as structural, functional, and spatial information, amino acid conservation, physicochemical variation, residue mobility, and thermodynamic stability) has been performed for this missense variant. However, the output from this modeling did not meet the statistical confidence thresholds required to predict the impact of this variant on SAMD9 protein function. In summary, the available evidence is currently insufficient to determine the role of this variant in disease. Therefore, it has been classified as a Variant of Uncertain Significance.

NM_017654.4(SAMD9):c.1666C>G (p.Leu556Val)

Gene: SAMD9 (sterile alpha motif domain containing 9; minus strand). Cytogenetic location: 7q21.2.
Variant type: single nucleotide variant.
Coding change: c.1666C>G on transcript NM_017654.4 (MANE Select); coding-DNA position 1666, C replaced by G.
Protein change: p.Leu556Val; replaces leucine 556 with valine.
Molecular consequence: missense variant.
Genome position (GRCh38, 1-based): chr7:93,104,432, G>C on the plus strand (C>G on the coding strand, the complement: SAMD9 is on the minus strand). VCF-style: chr7-93104432-G-C. GRCh37 (hg19) VCF-style: chr7-92733745-G-C.
Other names: c.1666C>G, p.Leu556Val (NM_001193307.2); c.1666C>G (NM_017654.3); short protein forms L556V.
Identifiers: ClinVar variation 3670203 (VCV003670203.3).